The following is an entry in ClinVar:

ClinVar aggregate classification (germline): Pathogenic (1 of 4 stars; one submission).

Conditions:
Congenital anomalies of kidney and urinary tract syndrome with or without hearing loss, abnormal ears, or developmental delay. Also called: Congenital Anomalies of the Kidney and Urinary Tract syndrome with or without Hearing Loss, Abnormal Ears, or Developmental Delay. Identifiers: Orphanet 656130, MedGen C4539968, MONDO:0060549, OMIM 617641.

Submission:

Victorian Clinical Genetics Services, Murdoch Childrens Research Institute
Classification: Pathogenic for Congenital anomalies of kidney and urinary tract syndrome with or without hearing loss, abnormal ears, or developmental delay. Last evaluated: 2024-10-30. Review status: criteria provided, single submitter. Criteria: ACMG Guidelines, 2015. Collection method: clinical testing. Allele origin: germline. Affected: yes.
Comment: This variant is classified as Pathogenic. Evidence in support of pathogenic classification: Variant is predicted to cause nonsense-mediated decay (NMD) and loss of protein (premature termination codon is located at least 54 nucleotides upstream of the final exon-exon junction); Variant is absent from gnomAD (v2, v3 and v4); Other NMD-predicted variants comparable to the one identified in this case have very strong previous evidence for pathogenicity (DECIPHER); Additional information: This variant is heterozygous; This gene is associated with autosomal dominant disease; This variant has no previous evidence of pathogenicity; No published segregation evidence has been identified for this variant; No published functional evidence has been identified for this variant; Loss of function is a known mechanism of disease in this gene and is associated with congenital anomalies of kidney and urinary tract syndrome with or without hearing loss, abnormal ears, or developmental delay (MIM#617641).

NM_002585.4(PBX1):c.620dup (p.Phe208fs)

Gene: PBX1 (PBX homeobox 1; plus strand). Cytogenetic location: 1q23.3.
Variant type: Duplication.
Coding change: c.620dup on transcript NM_002585.4 (MANE Select); coding-DNA position 620, one base duplicated (A; older notation c.620dupA).
Protein change: p.Phe208fs; shifts the reading frame from phenylalanine 208.
Molecular consequence: frameshift variant.
Genome position (GRCh38, 1-based): chr1:164,799,808, A duplicated; the last of 2 consecutive A bases (chr1:164,799,807-164,799,808); duplicating either gives the same sequence. VCF-style (leftmost placement, unchanged base first): chr1-164799806-C-CA. GRCh37 (hg19) VCF-style: chr1-164769043-C-CA.
Other names: c.620dup, p.Phe208fs (NM_001204961.2, NM_001204963.2, NM_001353131.2); c.371dup, p.Phe125fs (NM_001353130.1); short protein forms F125fs, F208fs.
Identifiers: ClinVar variation 4532142 (VCV004532142.1).